The following is an entry in ClinVar:

NM_002558.4(P2RX1):c.899A>T (p.Asn300Ile)

Gene: P2RX1 (purinergic receptor P2X 1; minus strand). Cytogenetic location: 17p13.2.
Variant type: single nucleotide variant.
Coding change: c.899A>T on transcript NM_002558.4 (MANE Select); coding-DNA position 899, A replaced by T.
Protein change: p.Asn300Ile; replaces asparagine 300 with isoleucine.
Molecular consequence: missense variant.
Genome position (GRCh38, 1-based): chr17:3,899,001, T>A on the plus strand (A>T on the coding strand, the complement: P2RX1 is on the minus strand). VCF-style: chr17-3899001-T-A. GRCh37 (hg19) VCF-style: chr17-3802295-T-A.
Other names: short protein forms N300I.
Identifiers: ClinVar variation 3346366 (VCV003346366.1).

ClinVar aggregate classification (germline): Uncertain significance (0 of 4 stars; one submission).

Conditions:
P2RX1-related disorder. Also called: P2RX1-related condition.

Submission:

PreventionGenetics, part of Exact Sciences
Classification: Uncertain significance for P2RX1-related condition. Last evaluated: 2024-08-31. Review status: no assertion criteria provided. Collection method: clinical testing. Allele origin: germline.
Comment: The P2RX1 c.899A>T variant is predicted to result in the amino acid substitution p.Asn300Ile. To our knowledge, this variant has not been reported in the literature or in a large population database, indicating this variant is rare. At this time, the clinical significance of this variant is uncertain due to the absence of conclusive functional and genetic evidence.